The following is an entry in ClinVar:

ClinVar aggregate classification (germline): Uncertain significance (1 of 4 stars; one submission).

Conditions:
SRCAP-related disorder. Also called: SRCAP-related condition.

Submission:

PreventionGenetics, part of Exact Sciences
Classification: Uncertain significance for SRCAP-related condition. Last evaluated: 2026-02-02. Review status: criteria provided, single submitter. Criteria: ACMG Guidelines, 2015. Collection method: clinical testing. Allele origin: germline.
Comment: The SRCAP c.5123A>T variant is predicted to result in the amino acid substitution p.Gln1708Leu. To our knowledge, this variant has not been reported in the literature or in a large population database (gnomAD), indicating this variant is rare. At this time, the clinical significance of this variant is uncertain due to the absence of conclusive functional and genetic evidence.

NM_006662.3(SRCAP):c.5123A>T (p.Gln1708Leu)

Gene: SRCAP (Snf2 related CREBBP activator protein; plus strand). Cytogenetic location: 16p11.2.
Variant type: single nucleotide variant.
Coding change: c.5123A>T on transcript NM_006662.3 (MANE Select); coding-DNA position 5123, A replaced by T.
Protein change: p.Gln1708Leu; replaces glutamine 1708 with leucine.
Molecular consequence: missense variant.
Genome position (GRCh38, 1-based): chr16:30,724,547, A>T. VCF-style: chr16-30724547-A-T. GRCh37 (hg19) VCF-style: chr16-30735868-A-T.
Other names: short protein forms Q1708L.
Identifiers: ClinVar variation 4979597 (VCV004979597.1).